The following is an entry in ClinVar:

NM_001967.4(EIF4A2):c.291_296del (p.Glu98_Phe99del)

Gene: EIF4A2 (eukaryotic translation initiation factor 4A2; plus strand). Cytogenetic location: 3q27.3.
Variant type: Deletion.
Coding change: c.291_296del on transcript NM_001967.4 (MANE Select); coding-DNA positions 291 to 296, 6 bases deleted (TGAGTT; older notation c.291_296delTGAGTT).
Protein change: p.Glu98_Phe99del.
Molecular consequence: inframe deletion.
Genome position (GRCh38, 1-based): chr3:186,785,044-186,785,049, TGAGTT deleted; deleting any 6 consecutive bases within chr3:186,785,043-186,785,049 gives the same sequence; the c. name uses the placement nearest the transcript's 3' end. VCF-style (leftmost placement, unchanged base first): chr3-186785042-ATTGAGT-A. GRCh37 (hg19) VCF-style: chr3-186502831-ATTGAGT-A.
Identifiers: ClinVar variation 4536296 (VCV004536296.1).

ClinVar aggregate classification (germline): Uncertain significance (1 of 4 stars; one submission).

Submission:

GeneDx
Classification: Uncertain significance. Last evaluated: 2025-06-04. Review status: criteria provided, single submitter. Criteria: GeneDx Variant Classification Process June 2021. Collection method: clinical testing. Allele origin: germline. Affected: yes.
Comment: Not observed at significant frequency in large population cohorts (gnomAD); In-frame deletion of 2 amino acid(s) in a non-repeat region; In silico analysis supports a deleterious effect on protein structure/function; Has not been previously published as pathogenic or benign to our knowledge